The following is an entry in ClinVar:

NM_003640.5(ELP1):c.1118G>T (p.Trp373Leu)

Gene: ELP1 (elongator acetyltransferase complex subunit 1; minus strand). Cytogenetic location: 9q31.3.
Variant type: single nucleotide variant.
Coding change: c.1118G>T on transcript NM_003640.5 (MANE Select); coding-DNA position 1118, G replaced by T.
Protein change: p.Trp373Leu; replaces tryptophan 373 with leucine.
Molecular consequence: missense variant.
Genome position (GRCh38, 1-based): chr9:108,912,335, C>A on the plus strand (G>T on the coding strand, the complement: ELP1 is on the minus strand). VCF-style: chr9-108912335-C-A. GRCh37 (hg19) VCF-style: chr9-111674615-C-A.
Other names: c.776G>T, p.Trp259Leu (NM_001318360.2); c.71G>T, p.Trp24Leu (NM_001330749.2); short protein forms W24L, W259L, W373L.
Identifiers: ClinVar variation 1799847 (VCV001799847.2), dbSNP rs141141120, ClinGen allele CA5175120.

ClinVar aggregate classification (germline): Uncertain significance (1 of 4 stars; one submission).

Allele frequency attached by ClinVar (database versions not stated): ExAC 0.00001; gnomAD 0.00002; gnomAD exomes 0.00002; TOPMed 0.00003; ESP Exome Variant Server 0.00008.
gnomAD v4.1: 34 of 1,614,014 alleles (0.0021%); highest among the groups gnomAD compares: Non-Finnish European, 0.0029%; no homozygotes.

Submission:

Ambry Genetics
Classification: Uncertain significance. Last evaluated: 2021-05-20. Review status: criteria provided, single submitter. Criteria: Ambry Variant Classification Scheme 2023. Collection method: clinical testing. Allele origin: germline.
Comment: The p.W373L variant (also known as c.1118G>T), located in coding exon 10 of the IKBKAP gene, results from a G to T substitution at nucleotide position 1118. The tryptophan at codon 373 is replaced by leucine, an amino acid with similar properties. This amino acid position is highly conserved in available vertebrate species. In addition, the in silico prediction for this alteration is inconclusive. Since supporting evidence is limited at this time, the clinical significance of this alteration remains unclear.